The following is an entry in ClinVar:

NM_153700.2(STRC):c.4886C>G (p.Ser1629Cys)

Gene: STRC (stereocilin; minus strand). Cytogenetic location: 15q15.3.
Variant type: single nucleotide variant.
Coding change: c.4886C>G on transcript NM_153700.2 (MANE Select); coding-DNA position 4886, C replaced by G.
Protein change: p.Ser1629Cys; replaces serine 1629 with cysteine.
Molecular consequence: missense variant.
Genome position (GRCh38, 1-based): chr15:43,600,641, G>C on the plus strand (C>G on the coding strand, the complement: STRC is on the minus strand). VCF-style: chr15-43600641-G-C. GRCh37 (hg19) VCF-style: chr15-43892839-G-C.
Other names: short protein forms S1629C.
Identifiers: ClinVar variation 4924487 (VCV004924487.2).
Genomic context (GRCh38, chr15:43,600,641, plus strand): 5'-ATTGGGCCAAACCCACCAGGCAGTACAAGTAGGTGGGCCAGAACCTCCAGTTGTTCCTCA[G>C]AGCACTGGAGATGCAGGGTGCCGAGGAAGAGAGCTGCTTGGCTGTAGAACAGTAGGAAGG-3'
Protein context (NP_714544.1, residues 1619-1639): LFLGTLHLQC[Ser1629Cys]EEQLEVLAHL

ClinVar aggregate classification (germline): Uncertain significance. Review status: criteria provided, multiple submitters, no conflicts (2 of 4 stars). 2 submissions from 2 submitters: Uncertain significance (2). Last evaluated 2026-09-09.

Conditions:
STRC-related disorder. Also called: STRC-related condition.

gnomAD v4.1: 126 of 1,613,746 alleles (0.0078%); highest among the groups gnomAD compares: Middle Eastern, 0.13%; 2 homozygotes.

Submissions (2):

PreventionGenetics, part of Exact Sciences
Classification: Uncertain significance for STRC-related condition. Last evaluated: 2026-09-09. Review status: criteria provided, single submitter. Criteria: ACMG Guidelines, 2015. Collection method: clinical testing. Allele origin: germline.
Comment: The STRC c.4886C>G variant is predicted to result in the amino acid substitution p.Ser1629Cys. To our knowledge, this variant has not been reported in the literature. This variant is reported in 0.015% of alleles in individuals of East Asian descent in gnomAD. At this time, the clinical significance of this variant is uncertain due to the absence of conclusive functional and genetic evidence.

Blueprint Genetics
Classification: Uncertain significance. Last evaluated: 2024-08-26. Review status: criteria provided, single submitter. Criteria: ACMG Guidelines, 2015. Collection method: clinical testing. Allele origin: germline.